The following is an entry in ClinVar:

ClinVar aggregate classification (germline): Uncertain significance. Review status: criteria provided, single submitter (1 of 4 stars). 2 submissions from 2 submitters: Uncertain significance (1). 1 of the submissions does not count toward it. Last evaluated 2021-08-02.

Conditions:
SEMA3G-related disorder. Also called: SEMA3G-related condition.

Allele frequency attached by ClinVar (database versions not stated): 1000 Genomes Project 30x 0.00016; 1000 Genomes Project 0.00020; ESP Exome Variant Server 0.00054.
gnomAD v4.1: 1,365 of 1,613,808 alleles (0.085%); highest among the groups gnomAD compares: Non-Finnish European, 0.1%; 1 homozygote.

Submissions (2):

Ambry Genetics
Classification: Uncertain significance. Last evaluated: 2021-08-02. Review status: criteria provided, single submitter. Criteria: Ambry Variant Classification Scheme 2023. Collection method: clinical testing. Allele origin: germline.

PreventionGenetics, part of Exact Sciences
Classification: Likely benign for SEMA3G-related condition. Last evaluated: 2022-02-02. Review status: no assertion criteria provided. Collection method: clinical testing. Allele origin: germline. Not counted in ClinVar's aggregate classification.
Comment: This variant is classified as likely benign based on ACMG/AMP sequence variant interpretation guidelines (Richards et al. 2015 PMID: 25741868, with internal and published modifications).

NM_020163.3(SEMA3G):c.271C>T (p.Arg91Trp)

Gene: SEMA3G (semaphorin 3G; minus strand). Cytogenetic location: 3p21.1.
Variant type: single nucleotide variant.
Coding change: c.271C>T on transcript NM_020163.3 (MANE Select); coding-DNA position 271, C replaced by T.
Protein change: p.Arg91Trp; replaces arginine 91 with tryptophan.
Molecular consequence: missense variant.
Genome position (GRCh38, 1-based): chr3:52,442,752, G>A on the plus strand (C>T on the coding strand, the complement: SEMA3G is on the minus strand). VCF-style: chr3-52442752-G-A. GRCh37 (hg19) VCF-style: chr3-52476768-G-A.
Other names: c.271C>T (NM_020163.1); short protein forms R91W.
Identifiers: ClinVar variation 3049321 (VCV003049321.3), dbSNP rs145924362, ClinGen allele CA2438411.